The following is an entry in ClinVar:

NM_000256.3(MYBPC3):c.3305T>C (p.Val1102Ala)

Gene: MYBPC3 (myosin binding protein C3; minus strand). Cytogenetic location: 11p11.2.
Variant type: single nucleotide variant.
Coding change: c.3305T>C on transcript NM_000256.3 (MANE Select); coding-DNA position 3305, T replaced by C.
Protein change: p.Val1102Ala; replaces valine 1102 with alanine.
Molecular consequence: missense variant.
Genome position (GRCh38, 1-based): chr11:47,333,219, A>G on the plus strand (T>C on the coding strand, the complement: MYBPC3 is on the minus strand). VCF-style: chr11-47333219-A-G. GRCh37 (hg19) VCF-style: chr11-47354770-A-G.
Other names: short protein forms V1102A.
Identifiers: ClinVar variation 1365784 (VCV001365784.8), dbSNP rs730880590, ClinGen allele CA380314078.
Genomic context (GRCh38, chr11:47,333,219, plus strand): 5'-AGGGTGCACGTGGGGACCCCAGACCCTGGGCTCACCATGGTCTTCTTGTCGGCTTTCTGC[A>G]CTGTGTACCCCCAGAGCTCCGTGTTGCCGACATCCTGGGGTGGCTTCCACTCCAGAGCCA-3'
Protein context (NP_000247.2, residues 1092-1112): VGNTELWGYT[Val1102Ala]QKADKKTMEW

ClinVar aggregate classification (germline): Uncertain significance (1 of 4 stars; one submission).

Conditions:
Hypertrophic cardiomyopathy. Also called: HYPERTROPHIC MYOCARDIOPATHY. Identifiers: Orphanet 217569, MedGen C0007194, MeSH D002312, MONDO:0005045, HP:0001639.

Allele frequency attached by ClinVar (database versions not stated): gnomAD exomes below 0.00001.
gnomAD v4.1: 1 of 1,599,892 alleles (0.000063%); highest among the groups gnomAD compares: Non-Finnish European, 0.000085%; no homozygotes.

Submission:

Labcorp Genetics (formerly Invitae), Labcorp
Classification: Uncertain significance for Hypertrophic cardiomyopathy. Last evaluated: 2022-03-19. Review status: criteria provided, single submitter. Criteria: Invitae Variant Classification Sherloc (09022015). Collection method: clinical testing. Allele origin: germline.
Comment: This variant has not been reported in the literature in individuals affected with MYBPC3-related conditions. Algorithms developed to predict the effect of missense changes on protein structure and function (SIFT, PolyPhen-2, Align-GVGD) all suggest that this variant is likely to be disruptive. In summary, the available evidence is currently insufficient to determine the role of this variant in disease. Therefore, it has been classified as a Variant of Uncertain Significance. This variant is not present in population databases (gnomAD no frequency). This sequence change replaces valine, which is neutral and non-polar, with alanine, which is neutral and non-polar, at codon 1102 of the MYBPC3 protein (p.Val1102Ala).